The following is an entry in ClinVar:

NM_014679.5(CEP57):c.504A>G (p.Gln168=)

Gene: CEP57 (centrosomal protein 57; plus strand). Cytogenetic location: 11q21.
Variant type: single nucleotide variant.
Coding change: c.504A>G on transcript NM_014679.5 (MANE Select); coding-DNA position 504, A replaced by G.
Protein change: p.Gln168=; no amino-acid change (glutamine 168 retained).
Molecular consequence: synonymous variant.
Genome position (GRCh38, 1-based): chr11:95,813,589, A>G. VCF-style: chr11-95813589-A-G. GRCh37 (hg19) VCF-style: chr11-95546753-A-G.
Other names: c.477A>G, p.Gln159= (NM_001243776.2); c.504A>G, p.Gln168= (NM_001243777.2); c.423A>G, p.Gln141= (NM_001363604.2).
Identifiers: ClinVar variation 961242 (VCV000961242.9), dbSNP rs754676360, ClinGen allele CA6239487.

ClinVar aggregate classification (germline): Uncertain significance (1 of 4 stars; one submission).

Conditions:
Mosaic variegated aneuploidy syndrome 2 (MVA2). Identifiers: Orphanet 1052, MedGen C3279843, MONDO:0013582, OMIM 614114.

Allele frequency attached by ClinVar (database versions not stated): gnomAD exomes 0.00001 and 0.00002; TOPMed 0.00001; ExAC 0.00002.
gnomAD v4.1: 6 of 1,612,734 alleles (0.00037%); highest among the groups gnomAD compares: Admixed American, 0.0067%; no homozygotes.

Submission:

Labcorp Genetics (formerly Invitae), Labcorp
Classification: Uncertain significance for Mosaic variegated aneuploidy syndrome 2. Last evaluated: 2023-09-26. Review status: criteria provided, single submitter. Criteria: Invitae Variant Classification Sherloc (09022015). Collection method: clinical testing. Allele origin: germline.
Comment: This variant is present in population databases (rs754676360, gnomAD 0.01%). This sequence change affects codon 168 of the CEP57 mRNA. It is a 'silent' change, meaning that it does not change the encoded amino acid sequence of the CEP57 protein. It affects a nucleotide within the consensus splice site. This variant has not been reported in the literature in individuals affected with CEP57-related conditions. In summary, the available evidence is currently insufficient to determine the role of this variant in disease. Therefore, it has been classified as a Variant of Uncertain Significance. Algorithms developed to predict the effect of sequence changes on RNA splicing suggest that this variant is not likely to affect RNA splicing. ClinVar contains an entry for this variant (Variation ID: 961242).